The following is an entry in ClinVar:

NM_013436.5(NCKAP1):c.3180G>A (p.Ala1060=)

Gene: NCKAP1 (NCK associated protein 1; minus strand). Cytogenetic location: 2q32.1.
Variant type: single nucleotide variant.
Coding change: c.3180G>A on transcript NM_013436.5 (MANE Select); coding-DNA position 3180, G replaced by A.
Protein change: p.Ala1060=; no amino-acid change (alanine 1060 retained).
Molecular consequence: synonymous variant.
Genome position (GRCh38, 1-based): chr2:182,928,117, C>T on the plus strand (G>A on the coding strand, the complement: NCKAP1 is on the minus strand). VCF-style: chr2-182928117-C-T. GRCh37 (hg19) VCF-style: chr2-183792845-C-T.
Other names: c.3198G>A, p.Ala1066= (NM_205842.3).
Identifiers: ClinVar variation 2192043 (VCV002192043.4), dbSNP rs761671233, ClinGen allele CA61669804.

ClinVar aggregate classification (germline): Uncertain significance (1 of 4 stars; one submission).

Allele frequency attached by ClinVar (database versions not stated): gnomAD 0.00001.
gnomAD v4.1: 8 of 1,584,988 alleles (0.0005%); highest among the groups gnomAD compares: South Asian, 0.0011%; no homozygotes.

Submission:

Labcorp Genetics (formerly Invitae), Labcorp
Classification: Uncertain significance. Last evaluated: 2025-02-10. Review status: criteria provided, single submitter. Criteria: Invitae Variant Classification Sherloc (09022015). Collection method: clinical testing. Allele origin: germline.
Comment: This sequence change affects codon 1066 of the NCKAP1 mRNA. It is a 'silent' change, meaning that it does not change the encoded amino acid sequence of the NCKAP1 protein. This variant also falls at the last nucleotide of exon 30, which is part of the consensus splice site for this exon. This variant is present in population databases (rs761671233, gnomAD 0.0008%). This variant has not been reported in the literature in individuals affected with NCKAP1-related conditions. ClinVar contains an entry for this variant (Variation ID: 2192043). Variants that disrupt the consensus splice site are a relatively common cause of aberrant splicing (PMID: 17576681, 9536098). Algorithms developed to predict the effect of sequence changes on RNA splicing suggest that this variant may disrupt the consensus splice site. In summary, the available evidence is currently insufficient to determine the role of this variant in disease. Therefore, it has been classified as a Variant of Uncertain Significance.

Literature cited by the submitters: PubMed 17576681; PubMed 9536098.